The following is an entry in ClinVar:

NM_000352.6(ABCC8):c.-49G>C

Gene: ABCC8 (ATP binding cassette subfamily C member 8; minus strand). Cytogenetic location: 11p15.1.
Variant type: single nucleotide variant.
Coding change: c.-49G>C on transcript NM_000352.6 (MANE Select); 49 bases upstream of the start codon, G replaced by C.
Molecular consequence: 5 prime UTR variant. On other transcripts: non-coding transcript variant (1).
Genome position (GRCh38, 1-based): chr11:17,476,825, C>G on the plus strand (G>C on the coding strand, the complement: ABCC8 is on the minus strand). VCF-style: chr11-17476825-C-G. GRCh37 (hg19) VCF-style: chr11-17498372-C-G.
Other names: c.-49G>C (NM_001287174.3, NM_001351295.2, NM_001351296.2 and 1 more transcripts).
Identifiers: ClinVar variation 303790 (VCV000303790.10), dbSNP rs77498130, ClinGen allele CA5904014.

ClinVar aggregate classification (germline): Conflicting classifications of pathogenicity. Review status: criteria provided, conflicting classifications (1 of 4 stars). 7 submissions from 4 submitters: Uncertain significance (2); Benign (4); Likely benign (1). Last evaluated 2018-08-17.

Conditions:
Diabetes mellitus, transient neonatal, 2 (TNDM2). Identifiers: Orphanet 99886, MedGen C1835887, MONDO:0012480, OMIM 610374. Disease mechanism: loss of function.
Hyperinsulinemic hypoglycemia, familial, 1 (HHF1). Also called: HYPERINSULINISM, FAMILIAL, WITH PANCREATIC NESIDIOBLASTOSIS; HYPOGLYCEMIA, HYPERINSULINEMIC, OF INFANCY; Persistent hyperinsulinemic hypoglycemia of infancy; NESIDIOBLASTOSIS OF PANCREAS; Persistent Hyperinsulinemia Hypoglycemia of Infancy. Identifiers: Orphanet 276575, Orphanet 276598, MedGen C2931832, MONDO:0009734, OMIM 256450.
Maturity-onset diabetes of the young (MODY). Also called: Maturity onset diabetes mellitus in young. Identifiers: Orphanet 552, MedGen C0342276, MONDO:0018911, HP:0004904.
Permanent neonatal diabetes mellitus (PNDM). Identifiers: Orphanet 99885, MedGen C1833104, MONDO:0100164, MONDO:0011643. Disease mechanism: gain of function.
Transitory neonatal diabetes mellitus. Also called: Transient neonatal diabetes mellitus. Identifiers: MedGen C0342273, MONDO:0020525, HP:0008255.

Allele frequency attached by ClinVar (database versions not stated): gnomAD exomes 0.00644; ESP Exome Variant Server 0.01491; ExAC 0.01837; 1000 Genomes Project 0.02975; gnomAD 0.03209 and 0.03452; 1000 Genomes Project 30x 0.03389; TOPMed 0.03707.
gnomAD v4.1: 10,107 of 1,451,118 alleles (0.7%); highest among the groups gnomAD compares: African/African-American, 11%; 447 homozygotes.

Submissions (7):

GeneDx
Classification: Benign. Last evaluated: 2018-08-17. Review status: criteria provided, single submitter. Criteria: GeneDx Variant Classification Process June 2021. Collection method: clinical testing. Allele origin: germline. Affected: yes.

Blueprint Genetics
Classification: Likely benign. Last evaluated: 2018-05-24. Review status: criteria provided, single submitter. Criteria: ACMG Guidelines, 2015. Collection method: clinical testing. Allele origin: germline.

Illumina Laboratory Services, Illumina
Classification: Benign for Diabetes mellitus, transient neonatal, 2. Last evaluated: 2017-04-27. Review status: criteria provided, single submitter. Criteria: ICSL Variant Classification Criteria 13 December 2019. Collection method: clinical testing. Allele origin: germline.
Comment: This variant was observed as part of a predisposition screen in an ostensibly healthy population. A literature search was performed for the gene, cDNA change, and amino acid change (where applicable). No publications were found based on this search. Allele frequency data from public databases was too high to be consistent with this variant causing disease. Therefore, this variant is classified as benign.

Illumina Laboratory Services, Illumina
Classification: Benign for Hyperinsulinemic hypoglycemia, familial, 1. Last evaluated: 2017-04-27. Review status: criteria provided, single submitter. Criteria: ICSL Variant Classification Criteria 13 December 2019. Collection method: clinical testing. Allele origin: germline.
Comment: the same text as in the submission from Illumina Laboratory Services, Illumina above.

Illumina Laboratory Services, Illumina
Classification: Benign for Permanent neonatal diabetes mellitus 1. Last evaluated: 2017-04-27. Review status: criteria provided, single submitter. Criteria: ICSL Variant Classification Criteria 13 December 2019. Collection method: clinical testing. Allele origin: germline.
Comment: the same text as in the submission from Illumina Laboratory Services, Illumina above.

Clinical Genomics, Uppaluri K&H Personalized Medicine Clinic
Classification: Uncertain significance for Maturity-onset diabetes of the young. Review status: criteria provided, single submitter. Criteria: K & H Uppaluri Personalized Medicine Clinic Variant Classification & Assertion Criteria_Updated V.1. Collection method: research. Allele origin: unknown. Inheritance: Somatic mutation.
Comment: Mutations in ABCC8 gene are associated with both neonatal diabetes mellitus as well as MODY. Patients with this mutation may have a better response to sulfonylureas. However, no sufficient evidence is found to ascertain the role of this particular variant ( rs77498130) in MODY yet.

Clinical Genomics, Uppaluri K&H Personalized Medicine Clinic
Classification: Uncertain significance for Transitory neonatal diabetes mellitus. Review status: criteria provided, single submitter. Criteria: K & H Uppaluri Personalized Medicine Clinic Variant Classification & Assertion Criteria_Updated V.1. Collection method: research. Allele origin: unknown. Inheritance: Somatic mutation.
Comment: Mutations in ABCC8 gene are associated with both neonatal diabetes mellitus as well as MODY. Patients with this mutation may have a better response to sulfonylureas. However, no sufficient evidence is found to ascertain the role of this particular variant ( rs77498130) in neonatal diabetes yet.

Literature cited by the submitters: PubMed 16885549 (cited by Clinical Genomics, Uppaluri K&H Personalized Medicine Clinic); PubMed 21989597 (cited by Clinical Genomics, Uppaluri K&H Personalized Medicine Clinic); PubMed 27538677 (cited by Clinical Genomics, Uppaluri K&H Personalized Medicine Clinic); PubMed 18981553 (cited by Clinical Genomics, Uppaluri K&H Personalized Medicine Clinic); PubMed 32027066 (cited by Clinical Genomics, Uppaluri K&H Personalized Medicine Clinic); PubMed 16613899 (cited by Clinical Genomics, Uppaluri K&H Personalized Medicine Clinic); PubMed 18025408 (cited by Clinical Genomics, Uppaluri K&H Personalized Medicine Clinic); PubMed 32792356 (cited by Clinical Genomics, Uppaluri K&H Personalized Medicine Clinic).